The following is an entry in ClinVar:

ClinVar aggregate classification (germline): Uncertain significance (1 of 4 stars; one submission).

Allele frequency attached by ClinVar (database versions not stated): gnomAD exomes below 0.00001; gnomAD 0.00001.
gnomAD v4.1: 5 of 1,613,956 alleles (0.00031%); highest among the groups gnomAD compares: Admixed American, 0.0033%; no homozygotes.

Submission:

Labcorp Genetics (formerly Invitae), Labcorp
Classification: Uncertain significance. Last evaluated: 2022-04-13. Review status: criteria provided, single submitter. Criteria: Invitae Variant Classification Sherloc (09022015). Collection method: clinical testing. Allele origin: germline.
Comment: This sequence change replaces histidine, which is basic and polar, with tyrosine, which is neutral and polar, at codon 1106 of the ABCA1 protein (p.His1106Tyr). This variant is not present in population databases (gnomAD no frequency). This variant has not been reported in the literature in individuals affected with ABCA1-related conditions. Advanced modeling of protein sequence and biophysical properties (such as structural, functional, and spatial information, amino acid conservation, physicochemical variation, residue mobility, and thermodynamic stability) performed at Invitae indicates that this missense variant is not expected to disrupt ABCA1 protein function. In summary, the available evidence is currently insufficient to determine the role of this variant in disease. Therefore, it has been classified as a Variant of Uncertain Significance.

NM_005502.4(ABCA1):c.3316C>T (p.His1106Tyr)

Gene: ABCA1 (ATP binding cassette subfamily A member 1; minus strand). Cytogenetic location: 9q31.1.
Variant type: single nucleotide variant.
Coding change: c.3316C>T on transcript NM_005502.4 (MANE Select); coding-DNA position 3316, C replaced by T.
Protein change: p.His1106Tyr; replaces histidine 1106 with tyrosine.
Molecular consequence: missense variant.
Genome position (GRCh38, 1-based): chr9:104,818,809, G>A on the plus strand (C>T on the coding strand, the complement: ABCA1 is on the minus strand). VCF-style: chr9-104818809-G-A. GRCh37 (hg19) VCF-style: chr9-107581090-G-A.
Other names: short protein forms H1106Y.
Identifiers: ClinVar variation 1905094 (VCV001905094.3), dbSNP rs1033439149, ClinGen allele CA197383211.
Genomic context (GRCh38, chr9:104,818,809, plus strand): 5'-AGCCTGTTCCCAGCTGGTTCTTCAGAAACAGGGAGGAGCCCACACAGCACAGCTTCCCAT[G>A]GGAGATGATGGCAATCCTGTCCCCCAGGACGTCCGCTTCATCCATGTGGTGTGTAGAGAG-3'
Protein context (NP_005493.2, residues 1096-1116): VLGDRIAIIS[His1106Tyr]GKLCCVGSSL